The following is an entry in ClinVar:

ClinVar aggregate classification (germline): Likely benign (1 of 4 stars; one submission).

Allele frequency attached by ClinVar (database versions not stated): ExAC 0.00021; 1000 Genomes Project 30x 0.00047.

Submission:

CeGaT Center for Human Genetics Tuebingen
Classification: Likely benign. Last evaluated: 2026-06-01. Review status: criteria provided, single submitter. Criteria: CeGaT Center For Human Genetics Tuebingen Variant Classification Criteria Version 2. Collection method: clinical testing. Allele origin: germline. Affected: yes. Observed: 5 variant alleles.
Comment: UBC: BP4, BP7

NM_021009.7(UBC):c.1029C>T (p.Asp343=)

Gene: UBC (ubiquitin C; minus strand). Cytogenetic location: 12q24.31.
Variant type: single nucleotide variant.
Coding change: c.1029C>T on transcript NM_021009.7 (MANE Select); coding-DNA position 1029, C replaced by T.
Protein change: p.Asp343=; no amino-acid change (aspartic acid 343 retained).
Molecular consequence: synonymous variant.
Genome position (GRCh38, 1-based): chr12:124,912,743, G>A on the plus strand (C>T on the coding strand, the complement: UBC is on the minus strand). VCF-style: chr12-124912743-G-A. GRCh37 (hg19) VCF-style: chr12-125397289-G-A.
Identifiers: ClinVar variation 2643567 (VCV002643567.24), dbSNP rs1071726, ClinGen allele CA6870954.